The following is an entry in ClinVar:

NM_032444.4(SLX4):c.3009G>C (p.Glu1003Asp)

Gene: SLX4 (SLX4 structure-specific endonuclease subunit; minus strand). Cytogenetic location: 16p13.3.
Variant type: single nucleotide variant.
Coding change: c.3009G>C on transcript NM_032444.4 (MANE Select); coding-DNA position 3009, G replaced by C.
Protein change: p.Glu1003Asp; replaces glutamic acid 1003 with aspartic acid.
Molecular consequence: missense variant.
Genome position (GRCh38, 1-based): chr16:3,590,629, C>G on the plus strand (G>C on the coding strand, the complement: SLX4 is on the minus strand). VCF-style: chr16-3590629-C-G. GRCh37 (hg19) VCF-style: chr16-3640630-C-G.
Other names: short protein forms E1003D.
Identifiers: ClinVar variation 944259 (VCV000944259.11), dbSNP rs142047326, ClinGen allele CA7866020.

ClinVar aggregate classification (germline): Conflicting classifications of pathogenicity. Review status: criteria provided, conflicting classifications (1 of 4 stars). 3 submissions from 3 submitters: Uncertain significance (2); Likely benign (1). Last evaluated 2025-03-22.

Conditions:
Fanconi anemia complementation group P. Also called: SLX4-Related Fanconi Anemia. Identifiers: Orphanet 84, MedGen C3469542, MONDO:0013499, OMIM 613951.
Fanconi anemia (FA). Also called: Fanconi's anemia. Identifiers: Orphanet 84, MedGen C0015625, MeSH D005199, MONDO:0019391.
Inborn genetic diseases. Identifiers: MedGen C0950123, MeSH D030342.

Allele frequency attached by ClinVar (database versions not stated): gnomAD exomes 0.00001 and 0.00002; ExAC 0.00002; gnomAD 0.00003 and 0.00004; ESP Exome Variant Server 0.00008; TOPMed 0.00008.
gnomAD v4.1: 14 of 1,614,044 alleles (0.00087%); highest among the groups gnomAD compares: African/African-American, 0.017%; no homozygotes.

Submissions (3):

Ambry Genetics
Classification: Likely benign for Inborn genetic diseases. Last evaluated: 2025-03-22. Review status: criteria provided, single submitter. Criteria: Ambry Variant Classification Scheme 2023. Collection method: clinical testing. Allele origin: germline.

Labcorp Genetics (formerly Invitae), Labcorp
Classification: Uncertain significance for Fanconi anemia. Last evaluated: 2024-06-26. Review status: criteria provided, single submitter. Criteria: Invitae Variant Classification Sherloc (09022015). Collection method: clinical testing. Allele origin: germline.
Comment: This sequence change replaces glutamic acid, which is acidic and polar, with aspartic acid, which is acidic and polar, at codon 1003 of the SLX4 protein (p.Glu1003Asp). This variant is present in population databases (rs142047326, gnomAD 0.02%). This variant has not been reported in the literature in individuals affected with SLX4-related conditions. ClinVar contains an entry for this variant (Variation ID: 944259). Algorithms developed to predict the effect of missense changes on protein structure and function output the following: SIFT: "Not Available"; PolyPhen-2: "Benign"; Align-GVGD: "Not Available". The aspartic acid amino acid residue is found in multiple mammalian species, which suggests that this missense change does not adversely affect protein function. In summary, the available evidence is currently insufficient to determine the role of this variant in disease. Therefore, it has been classified as a Variant of Uncertain Significance.

Fulgent Genetics
Classification: Uncertain significance for Fanconi anemia complementation group P. Last evaluated: 2024-06-10. Review status: criteria provided, single submitter. Criteria: ACMG Guidelines, 2015. Collection method: clinical testing. Allele origin: germline.